The following is an entry in ClinVar:

NM_006393.3(NEBL):c.157C>T (p.Arg53Cys)

Gene: NEBL (nebulette; minus strand). Cytogenetic location: 10p12.31.
Variant type: single nucleotide variant.
Coding change: c.157C>T on transcript NM_006393.3 (MANE Select); coding-DNA position 157, C replaced by T.
Protein change: p.Arg53Cys; replaces arginine 53 with cysteine.
Molecular consequence: missense variant. On other transcripts: intron variant (9).
Genome position (GRCh38, 1-based): chr10:20,889,946, G>A on the plus strand (C>T on the coding strand, the complement: NEBL is on the minus strand). VCF-style: chr10-20889946-G-A. GRCh37 (hg19) VCF-style: chr10-21178875-G-A.
Other names: c.249+71726C>T (NM_001377326.1, NM_001377327.1, NM_001377328.1); c.357+71726C>T (NM_213569.2, NM_001173484.2, NM_001377322.1); c.300+71726C>T (NM_001377324.1); c.291+71726C>T (NM_001377325.1); c.309+71726C>T (NM_001377323.1); short protein forms R53C.
Identifiers: ClinVar variation 1511229 (VCV001511229.11), dbSNP rs759216770, ClinGen allele CA5433338.

ClinVar aggregate classification (germline): Uncertain significance. Review status: criteria provided, multiple submitters, no conflicts (2 of 4 stars). 2 submissions from 2 submitters: Uncertain significance (2). Last evaluated 2025-09-27.

Conditions:
Primary dilated cardiomyopathy (DCM). Also called: Dilated Cardiomyopathy. Identifiers: Orphanet 217604, MedGen C0007193, MeSH D002311, MONDO:0005021, HP:0001644. Inheritance: Various modes of inheritance.

Allele frequency attached by ClinVar (database versions not stated): gnomAD 0.00001; gnomAD exomes 0.00001 and 0.00007; ExAC 0.00002; TOPMed 0.00003.
gnomAD v4.1: 102 of 1,574,476 alleles (0.0065%); highest among the groups gnomAD compares: Non-Finnish European, 0.0085%; no homozygotes.

Submissions (2):

Labcorp Genetics (formerly Invitae), Labcorp
Classification: Uncertain significance for Primary dilated cardiomyopathy. Last evaluated: 2025-09-27. Review status: criteria provided, single submitter. Criteria: Invitae Variant Classification Sherloc (09022015). Collection method: clinical testing. Allele origin: germline.
Comment: This sequence change replaces arginine, which is basic and polar, with cysteine, which is neutral and slightly polar, at codon 53 of the NEBL protein (p.Arg53Cys). This variant is present in population databases (rs759216770, gnomAD 0.006%). This variant has not been reported in the literature in individuals affected with NEBL-related conditions. ClinVar contains an entry for this variant (Variation ID: 1511229). An algorithm developed to predict the effect of missense changes on protein structure and function (PolyPhen-2) suggests that this variant is likely to be tolerated. In summary, the available evidence is currently insufficient to determine the role of this variant in disease. Therefore, it has been classified as a Variant of Uncertain Significance.

Ambry Genetics
Classification: Uncertain significance. Last evaluated: 2025-05-27. Review status: criteria provided, single submitter. Criteria: Ambry Variant Classification Scheme 2023. Collection method: clinical testing. Allele origin: germline.
Comment: The p.R53C variant (also known as c.157C>T), located in coding exon 3 of the NEBL gene, results from a C to T substitution at nucleotide position 157. The arginine at codon 53 is replaced by cysteine, an amino acid with highly dissimilar properties. This amino acid position is conserved. In addition, this alteration is predicted to be tolerated by in silico analysis. Since supporting evidence is limited at this time, the clinical significance of this alteration remains unclear.